The following is an entry in ClinVar:

NM_001130987.2(DYSF):c.6262C>T (p.Leu2088Phe)

Gene: DYSF (dysferlin; plus strand). Cytogenetic location: 2p13.2.
Variant type: single nucleotide variant.
Coding change: c.6262C>T on transcript NM_001130987.2 (MANE Select); coding-DNA position 6262, C replaced by T.
Protein change: p.Leu2088Phe; replaces leucine 2088 with phenylalanine.
Molecular consequence: missense variant.
Genome position (GRCh38, 1-based): chr2:71,682,618, C>T. VCF-style: chr2-71682618-C-T. GRCh37 (hg19) VCF-style: chr2-71909748-C-T.
Other names: c.6148C>T, p.Leu2050Phe (NM_001130455.2); c.6103C>T, p.Leu2035Phe (NM_001130976.2); c.6166C>T, p.Leu2056Phe (NM_001130977.2); c.6208C>T, p.Leu2070Phe (NM_001130978.2); c.6238C>T, p.Leu2080Phe (NM_001130979.2); c.6196C>T, p.Leu2066Phe (NM_001130980.2); c.6259C>T, p.Leu2087Phe (NM_001130981.2); c.6241C>T, p.Leu2081Phe (NM_001130982.2); and 5 more; short protein forms L2035F, L2036F, L2049F, L2050F, L2056F, L2057F, L2066F, L2067F.
Identifiers: ClinVar variation 1805674 (VCV001805674.4), dbSNP rs887047044, ClinGen allele CA49776705.

ClinVar aggregate classification (germline): Uncertain significance. Review status: criteria provided, multiple submitters, no conflicts (2 of 4 stars). 3 submissions from 3 submitters: Uncertain significance (3). Last evaluated 2025-05-08.

Conditions:
Autosomal recessive limb-girdle muscular dystrophy type 2B (LGMDR2). Also called: MUSCULAR DYSTROPHY, LIMB-GIRDLE, TYPE 3; Limb-Girdle Muscular Dystrophy Type 2B (LGMD2B); MUSCULAR DYSTROPHY, LIMB-GIRDLE, AUTOSOMAL RECESSIVE 2; Limb-girdle muscular dystrophy, type 2B. Identifiers: Orphanet 268, MedGen C1850889, MONDO:0009676, OMIM 253601.
Neuromuscular disease caused by qualitative or quantitative defects of dysferlin. Also called: Dysferlinopathy; Qualitative or quantitative defects of dysferlin. Identifiers: Orphanet 207073, MedGen C2931687, MONDO:0016145.

Allele frequency attached by ClinVar (database versions not stated): gnomAD 0.00001; TOPMed 0.00001; gnomAD exomes 0.00002.
gnomAD v4.1: 27 of 1,613,786 alleles (0.0017%); highest among the groups gnomAD compares: Non-Finnish European, 0.002%; no homozygotes.

Submissions (3):

Revvity Omics, Revvity
Classification: Uncertain significance. Last evaluated: 2025-05-08. Review status: criteria provided, single submitter. Criteria: ACMG Guidelines, 2015. Collection method: clinical testing. Allele origin: germline.

Victorian Clinical Genetics Services, Murdoch Childrens Research Institute
Classification: Uncertain significance for Autosomal recessive limb-girdle muscular dystrophy type 2B. Last evaluated: 2022-03-31. Review status: criteria provided, single submitter. Criteria: ACMG Guidelines, 2015. Collection method: clinical testing. Allele origin: germline. Inheritance: Autosomal recessive inheritance.
Comment: Based on the classification scheme VCGS_Germline_v1.3.4, this variant is classified as VUS-3C. Following criteria are met: 0102 - Loss of function is a known mechanism of disease in this gene and is associated with Miyoshi muscular dystrophy 1 (MIM#254130), muscular dystrophy, limb-girdle, autosomal (MIM#253601) and myopathy, distal, with anterior tibial onset (MIM#606768). (I) 0106 - This gene is associated with autosomal recessive disease. (I) 0115 - Variants in this gene are known to have variable expressivity (OMIM). (I) 0200 - Variant is predicted to result in a missense amino acid change from leucine to phenylalanine. (I) 0251 - This variant is heterozygous. (I) 0304 - Variant is present in gnomAD <0.01 for a recessive condition (v2: 4 heterozygotes, 0 homozygotes). (SP) 0504 - Same amino acid change has been observed in placental mammals. (SB) 0600 - Variant is located in the annotated Ferlin_C domain (DECIPHER). (I) 0705 - No comparable missense variants have previous evidence for pathogenicity. (I) 0807 - This variant has no previous evidence of pathogenicity. (I) 0905 - No published segregation evidence has been identified for this variant. (I) 1007 - No published functional evidence has been identified for this variant. (I) 1208 - Inheritance information for this variant is not currently available in this individual. (I) Legend: (SP) - Supporting pathogenic, (I) - Information, (SB) - Supporting benign

Labcorp Genetics (formerly Invitae), Labcorp
Classification: Uncertain significance for Neuromuscular disease caused by qualitative or quantitative defects of dysferlin. Last evaluated: 2022-01-11. Review status: criteria provided, single submitter. Criteria: Invitae Variant Classification Sherloc (09022015). Collection method: clinical testing. Allele origin: germline.
Comment: This sequence change replaces leucine, which is neutral and non-polar, with phenylalanine, which is neutral and non-polar, at codon 2049 of the DYSF protein (p.Leu2049Phe). This variant is present in population databases (no rsID available, gnomAD 0.003%). This variant has not been reported in the literature in individuals affected with DYSF-related conditions. Advanced modeling of protein sequence and biophysical properties (such as structural, functional, and spatial information, amino acid conservation, physicochemical variation, residue mobility, and thermodynamic stability) performed at Invitae indicates that this missense variant is not expected to disrupt DYSF protein function. In summary, the available evidence is currently insufficient to determine the role of this variant in disease. Therefore, it has been classified as a Variant of Uncertain Significance.